The following is an entry in ClinVar:

ClinVar aggregate classification (germline): Uncertain significance. Review status: criteria provided, multiple submitters, no conflicts (2 of 4 stars). 2 submissions from 2 submitters: Uncertain significance (2). Last evaluated 2026-04-05.

Conditions:
Arrhythmogenic right ventricular dysplasia 10. Also called: ARRHYTHMOGENIC RIGHT VENTRICULAR DYSPLASIA, FAMILIAL, 10; Arrhythmogenic Right Ventricular Dysplasia/Cardiomyopathy10; Arrhythmogenic right ventricular dysplasia/cardiomyopathy, type 10. Identifiers: MedGen C1857777, MONDO:0012434, OMIM 610193.

Submissions (2):

GeneDx
Classification: Uncertain significance. Last evaluated: 2026-04-05. Review status: criteria provided, single submitter. Criteria: GeneDx Variant Classification Process June 2021. Collection method: clinical testing. Allele origin: germline.
Comment: Not observed at significant frequency in large population cohorts (gnomAD); In silico analysis supports that this missense variant has a deleterious effect on protein structure/function; Has not been previously published as pathogenic or benign to our knowledge

Labcorp Genetics (formerly Invitae), Labcorp
Classification: Uncertain significance for Arrhythmogenic right ventricular dysplasia 10. Last evaluated: 2024-02-03. Review status: criteria provided, single submitter. Criteria: Invitae Variant Classification Sherloc (09022015). Collection method: clinical testing. Allele origin: germline.
Comment: This sequence change replaces glycine, which is neutral and non-polar, with arginine, which is basic and polar, at codon 302 of the DSG2 protein (p.Gly302Arg). This variant is not present in population databases (gnomAD no frequency). This variant has not been reported in the literature in individuals affected with DSG2-related conditions. Advanced modeling of protein sequence and biophysical properties (such as structural, functional, and spatial information, amino acid conservation, physicochemical variation, residue mobility, and thermodynamic stability) performed at Invitae indicates that this missense variant is not expected to disrupt DSG2 protein function with a negative predictive value of 95%. In summary, the available evidence is currently insufficient to determine the role of this variant in disease. Therefore, it has been classified as a Variant of Uncertain Significance.

NM_001943.5(DSG2):c.904G>C (p.Gly302Arg)

Gene: DSG2 (desmoglein 2; plus strand). Cytogenetic location: 18q12.1.
Variant type: single nucleotide variant.
Coding change: c.904G>C on transcript NM_001943.5 (MANE Select); coding-DNA position 904, G replaced by C.
Protein change: p.Gly302Arg; replaces glycine 302 with arginine.
Molecular consequence: missense variant.
Genome position (GRCh38, 1-based): chr18:31,524,778, G>C. VCF-style: chr18-31524778-G-C. GRCh37 (hg19) VCF-style: chr18-29104741-G-C.
Other names: short protein forms G302R.
Identifiers: ClinVar variation 3614799 (VCV003614799.3).